The following is an entry in ClinVar:

ClinVar aggregate classification (germline): Uncertain significance. Review status: criteria provided, multiple submitters, no conflicts (2 of 4 stars). 3 submissions from 3 submitters: Uncertain significance (3). Last evaluated 2022-06-01.

Conditions:
TMEM165-congenital disorder of glycosylation. Also called: CDG IIk; Congenital disorder of glycosylation type 2k; TMEM165-CDG. Identifiers: Orphanet 314667, MedGen C3553571, MONDO:0013870, OMIM 614727.

Allele frequency attached by ClinVar (database versions not stated): gnomAD exomes 0.00004 and 0.00005; gnomAD 0.00005; TOPMed 0.00005; ExAC 0.00007; ESP Exome Variant Server 0.00008.
gnomAD v4.1: 78 of 1,612,434 alleles (0.0048%); highest among the groups gnomAD compares: Middle Eastern, 0.083%; no homozygotes.

Submissions (4):

Labcorp Genetics (formerly Invitae), Labcorp
Classification: Uncertain significance for TMEM165-congenital disorder of glycosylation. Last evaluated: 2022-06-01. Review status: criteria provided, single submitter. Criteria: Invitae Variant Classification Sherloc (09022015). Collection method: clinical testing. Allele origin: germline.
Comment: This sequence change replaces aspartic acid, which is acidic and polar, with glycine, which is neutral and non-polar, at codon 201 of the TMEM165 protein (p.Asp201Gly). This variant is present in population databases (rs372893311, gnomAD 0.02%). This variant has not been reported in the literature in individuals affected with TMEM165-related conditions. ClinVar contains an entry for this variant (Variation ID: 349067). Algorithms developed to predict the effect of missense changes on protein structure and function are either unavailable or do not agree on the potential impact of this missense change (SIFT: "Deleterious"; PolyPhen-2: "Possibly Damaging"; Align-GVGD: "Class C15"). Algorithms developed to predict the effect of sequence changes on RNA splicing suggest that this variant may create or strengthen a splice site. In summary, the available evidence is currently insufficient to determine the role of this variant in disease. Therefore, it has been classified as a Variant of Uncertain Significance.

Illumina Laboratory Services, Illumina
Classification: Uncertain significance for TMEM165-congenital disorder of glycosylation. Last evaluated: 2018-01-13. Review status: criteria provided, single submitter. Criteria: ICSL Variant Classification Criteria 13 December 2019. Collection method: clinical testing. Allele origin: germline.

Breakthrough Genomics
Classification: Uncertain significance. Review status: criteria provided, single submitter. Criteria: ACMG Guidelines, 2015. Collection method: not provided. Allele origin: germline. Inheritance: Autosomal recessive inheritance. Affected: yes.

Dr. Peter K. Rogan Lab, Western University
No classification provided (evidence only). Condition: Clear cell carcinoma of kidney. Review status: no classification provided. Collection method: in vitro. Allele origin: not applicable. Functional consequence: retained intron. Not counted in ClinVar's aggregate classification.

NM_018475.5(TMEM165):c.602A>G (p.Asp201Gly)

Gene: TMEM165 (transmembrane protein 165; plus strand). Cytogenetic location: 4q12.
Variant type: single nucleotide variant.
Coding change: c.602A>G on transcript NM_018475.5 (MANE Select); coding-DNA position 602, A replaced by G.
Protein change: p.Asp201Gly; replaces aspartic acid 201 with glycine.
Molecular consequence: missense variant. On other transcripts: non-coding transcript variant (1).
Genome position (GRCh38, 1-based): chr4:55,417,240, A>G. VCF-style: chr4-55417240-A-G. GRCh37 (hg19) VCF-style: chr4-56283407-A-G.
Other names: short protein forms D201G.
Identifiers: ClinVar variation 349067 (VCV000349067.8), dbSNP rs372893311, ClinGen allele CA2925538.
Genomic context (GRCh38, chr4:55,417,240, plus strand): 5'-TGAGCCCTGATGAGGGTCAAGAGGAACTGGAAGAAGTTCAAGCTGAATTAAAGAAGAAAG[A>G]TGAAGAAGTAAGCCATGGCACTGTTGATCTGGACCAAAAAGGCACTCAACTAGGAATAAA-3'
Protein context (NP_060945.2, residues 191-211): EEVQAELKKK[Asp201Gly]EEFQRTKLLN